The following is an entry in ClinVar:

NM_001304438.2(TMEM132E):c.1219C>T (p.Arg407Trp)

Gene: TMEM132E (transmembrane protein 132E; plus strand). Cytogenetic location: 17q12.
Variant type: single nucleotide variant.
Coding change: c.1219C>T on transcript NM_001304438.2 (MANE Select); coding-DNA position 1219, C replaced by T.
Protein change: p.Arg407Trp; replaces arginine 407 with tryptophan.
Molecular consequence: missense variant.
Genome position (GRCh38, 1-based): chr17:34,629,085, C>T. VCF-style: chr17-34629085-C-T. GRCh37 (hg19) VCF-style: chr17-32956104-C-T.
Other names: NM_207313.1:c.949C>T; short protein forms R407W.
Identifiers: ClinVar variation 2104236 (VCV002104236.5), dbSNP rs371393529, ClinGen allele CA8496607.

ClinVar aggregate classification (germline): Uncertain significance. Review status: criteria provided, multiple submitters, no conflicts (2 of 4 stars). 2 submissions from 2 submitters: Uncertain significance (2). Last evaluated 2024-10-25.

Allele frequency attached by ClinVar (database versions not stated): gnomAD 0.00001; ExAC 0.00002; ESP Exome Variant Server 0.00008.

Submissions (2):

Ambry Genetics
Classification: Uncertain significance. Last evaluated: 2024-10-25. Review status: criteria provided, single submitter. Criteria: Ambry Variant Classification Scheme 2023. Collection method: clinical testing. Allele origin: germline.

Labcorp Genetics (formerly Invitae), Labcorp
Classification: Uncertain significance. Last evaluated: 2022-02-28. Review status: criteria provided, single submitter. Criteria: Invitae Variant Classification Sherloc (09022015). Collection method: clinical testing. Allele origin: germline.
Comment: This sequence change replaces arginine, which is basic and polar, with tryptophan, which is neutral and slightly polar, at codon 407 of the TMEM132E protein (p.Arg407Trp). In summary, the available evidence is currently insufficient to determine the role of this variant in disease. Therefore, it has been classified as a Variant of Uncertain Significance. Algorithms developed to predict the effect of missense changes on protein structure and function are either unavailable or do not agree on the potential impact of this missense change (SIFT: "Deleterious"; PolyPhen-2: "Not Available"; Align-GVGD: "Class C0"). This variant has not been reported in the literature in individuals affected with TMEM132E-related conditions. This variant is present in population databases (rs371393529, gnomAD 0.005%).